The following is an entry in ClinVar:

NM_001042492.3(NF1):c.8392A>T (p.Asn2798Tyr)

Gene: NF1 (neurofibromin 1; plus strand). Cytogenetic location: 17q11.2.
Variant type: single nucleotide variant.
Coding change: c.8392A>T on transcript NM_001042492.3 (MANE Select); coding-DNA position 8392, A replaced by T.
Protein change: p.Asn2798Tyr; replaces asparagine 2798 with tyrosine.
Molecular consequence: missense variant.
Genome position (GRCh38, 1-based): chr17:31,374,027, A>T. VCF-style: chr17-31374027-A-T. GRCh37 (hg19) VCF-style: chr17-29701045-A-T.
Other names: c.8329A>T, p.Asn2777Tyr (NM_000267.4); short protein forms N2777Y, N2798Y.
Identifiers: ClinVar variation 527553 (VCV000527553.5), dbSNP rs1555538514, ClinGen allele CA399205880.

ClinVar aggregate classification (germline): Uncertain significance (1 of 4 stars; one submission).

Conditions:
Neurofibromatosis, type 1 (NF1). Also called: VON RECKLINGHAUSEN DISEASE; NEUROFIBROMATOSIS, TYPE I, SOMATIC; Peripheral type neurofibromatosis; Neurofibromatosis, type I. Identifiers: Orphanet 636, MedGen C0027831, MONDO:0018975, OMIM 162200. Disease mechanism: loss of function.

Submission:

Labcorp Genetics (formerly Invitae), Labcorp
Classification: Uncertain significance for Neurofibromatosis, type 1. Last evaluated: 2017-10-31. Review status: criteria provided, single submitter. Criteria: Invitae Variant Classification Sherloc (09022015). Collection method: clinical testing. Allele origin: germline.
Comment: This sequence change replaces asparagine with tyrosine at codon 2777 of the NF1 protein (p.Asn2777Tyr). The asparagine residue is moderately conserved and there is a large physicochemical difference between asparagine and tyrosine. This variant is not present in population databases (ExAC no frequency). This variant has not been reported in the literature in individuals with NF1-related disease. Algorithms developed to predict the effect of missense changes on protein structure and function do not agree on the potential impact of this missense change (SIFT: "Deleterious"; PolyPhen-2: "Possibly Damaging"; Align-GVGD: "Class C0"). Algorithms developed to predict the effect of sequence changes on RNA splicing suggest that this variant may create or strengthen a splice site, but this prediction has not been confirmed by published transcriptional studies. In summary, the available evidence is currently insufficient to determine the role of this variant in disease. Therefore, it has been classified as a Variant of Uncertain Significance.